The following is an entry in ClinVar:

NM_001384474.1(LOXHD1):c.5804C>T (p.Thr1935Met)

Gene: LOXHD1 (lipoxygenase homology PLAT domains 1; minus strand). Cytogenetic location: 18q21.1.
Variant type: single nucleotide variant.
Coding change: c.5804C>T on transcript NM_001384474.1 (MANE Select); coding-DNA position 5804, C replaced by T.
Protein change: p.Thr1935Met; replaces threonine 1935 with methionine.
Molecular consequence: missense variant.
Genome position (GRCh38, 1-based): chr18:46,505,912, G>A on the plus strand (C>T on the coding strand, the complement: LOXHD1 is on the minus strand). VCF-style: chr18-46505912-G-A. GRCh37 (hg19) VCF-style: chr18-44085875-G-A.
Other names: c.5618C>T (NM_144612.6); c.2471C>T, p.Thr824Met (NM_001145472.3); c.521C>T, p.Thr174Met (NM_001145473.3, NM_001173129.2); c.2183C>T, p.Thr728Met (NM_001308013.2); c.5618C>T, p.Thr1873Met (NM_144612.7); short protein forms T1873M, T728M, T824M, T174M, T1935M.
Identifiers: ClinVar variation 596580 (VCV000596580.9), dbSNP rs377485179, ClinGen allele CA8952133.

ClinVar aggregate classification (germline): Uncertain significance. Review status: criteria provided, multiple submitters, no conflicts (2 of 4 stars). 3 submissions from 3 submitters: Uncertain significance (3). Last evaluated 2026-08-05.

Conditions:
Inborn genetic diseases. Identifiers: MedGen C0950123, MeSH D030342.
LOXHD1-related disorder. Also called: LOXHD1-related condition.

Allele frequency attached by ClinVar (database versions not stated): gnomAD exomes 0.00004 and 0.00005; gnomAD 0.00006; TOPMed 0.00008; ExAC 0.00009; 1000 Genomes Project 30x 0.00016; 1000 Genomes Project 0.00020; ESP Exome Variant Server 0.00022.
gnomAD v4.1: 83 of 1,551,942 alleles (0.0053%); highest among the groups gnomAD compares: Admixed American, 0.0078%; no homozygotes.

Submissions (3):

PreventionGenetics, part of Exact Sciences
Classification: Uncertain significance for LOXHD1-related condition. Last evaluated: 2026-08-05. Review status: criteria provided, single submitter. Criteria: ACMG Guidelines, 2015. Collection method: clinical testing. Allele origin: germline.
Comment: The LOXHD1 c.5618C>T variant is predicted to result in the amino acid substitution p.Thr1873Met. To our knowledge, this variant has not been reported in the literature. This variant is reported in 0.016% of alleles in individuals of Latino descent in gnomAD. At this time, the clinical significance of this variant is uncertain due to the absence of conclusive functional and genetic evidence.

Ambry Genetics
Classification: Uncertain significance for Inborn genetic diseases. Last evaluated: 2025-06-10. Review status: criteria provided, single submitter. Criteria: Ambry Variant Classification Scheme 2023. Collection method: clinical testing. Allele origin: germline.

Eurofins Ntd Llc (ga)
Classification: Uncertain significance. Last evaluated: 2018-04-03. Review status: criteria provided, single submitter. Criteria: EGL ClinVar v180209 classification definitions. Collection method: clinical testing. Allele origin: germline. Observed: 1 variant allele, 1 heterozygote.